The following is an entry in ClinVar:

ClinVar aggregate classification (germline): Likely pathogenic (1 of 4 stars; one submission).

Conditions:
Cardiovascular phenotype. Identifiers: MedGen CN230736.

Submission:

Ambry Genetics
Classification: Likely pathogenic for Cardiovascular phenotype. Last evaluated: 2024-10-08. Review status: criteria provided, single submitter. Criteria: Ambry Variant Classification Scheme 2023. Collection method: clinical testing. Allele origin: germline.
Comment: The p.N341K variant (also known as c.1023C>G), located in coding exon 6 of the ACVRL1 gene, results from a C to G substitution at nucleotide position 1023. The asparagine at codon 341 is replaced by lysine, an amino acid with similar properties. This variant has been detected in individuals meeting clinical criteria for, or with features consistent with, hereditary hemorrhagic telangiectasia (Bayrak-Toydemir P et al. Am J Med Genet A, 2006 Mar;140:463-70; McDonald J et al. Genet Med, 2020 Jul;22:1201-1205; Ambry internal data). This amino acid position is highly conserved in available vertebrate species. In addition, the in silico prediction for this alteration is inconclusive. This variant is considered to be rare based on population cohorts in the Genome Aggregation Database (gnomAD). Based on the majority of available evidence to date, this variant is likely to be pathogenic.

Literature cited by the submitters: PubMed 16470787; PubMed 32300199.

NM_000020.3(ACVRL1):c.1023C>G (p.Asn341Lys)

Gene: ACVRL1 (activin A receptor like type 1; plus strand). Cytogenetic location: 12q13.13.
Variant type: single nucleotide variant.
Coding change: c.1023C>G on transcript NM_000020.3 (MANE Select); coding-DNA position 1023, C replaced by G.
Protein change: p.Asn341Lys; replaces asparagine 341 with lysine.
Molecular consequence: missense variant.
Genome position (GRCh38, 1-based): chr12:51,915,475, C>G. VCF-style: chr12-51915475-C-G. GRCh37 (hg19) VCF-style: chr12-52309259-C-G.
Other names: c.1023C>G, p.Asn341Lys (NM_001077401.2, NM_001406487.1, NM_001406488.1 and 1 more transcripts); c.711C>G, p.Asn237Lys (NM_001406490.1, NM_001406491.1, NM_001406492.1 and 2 more transcripts); c.459C>G, p.Asn153Lys (NM_001406495.1); short protein forms N237K, N341K, N153K.
Identifiers: ClinVar variation 1765817 (VCV001765817.3), dbSNP rs2540164910, ClinGen allele CA384901702.